The following is an entry in ClinVar:

NM_000441.2(SLC26A4):c.1958T>C (p.Val653Ala)

Gene: SLC26A4 (solute carrier family 26 member 4; plus strand). Cytogenetic location: 7q22.3.
Variant type: single nucleotide variant.
Coding change: c.1958T>C on transcript NM_000441.2 (MANE Select); coding-DNA position 1958, T replaced by C.
Protein change: p.Val653Ala; replaces valine 653 with alanine.
Molecular consequence: missense variant.
Genome position (GRCh38, 1-based): chr7:107,701,981, T>C. VCF-style: chr7-107701981-T-C. GRCh37 (hg19) VCF-style: chr7-107342426-T-C.
Other names: short protein forms V653A.
Identifiers: ClinVar variation 556316 (VCV000556316.3), dbSNP rs1554361015, ClinGen allele CA368843691.

ClinVar aggregate classification (germline): Uncertain significance. Review status: criteria provided, single submitter (1 of 4 stars). 2 submissions from 2 submitters: Uncertain significance (1). 1 of the submissions does not count toward it. Last evaluated 2024-07-11.

Conditions:
Pendred syndrome (PDS). Also called: DEAFNESS WITH GOITER; Pendred's syndrome; GOITER-DEAFNESS SYNDROME; HYPOTHYROIDISM, CONGENITAL, DUE TO DYSHORMONOGENESIS, 2B; THYROID DYSHORMONOGENESIS 2B; THYROID HORMONOGENESIS, GENETIC DEFECT IN, 2B. Identifiers: Orphanet 705, MedGen C0271829, MONDO:0010134, OMIM 274600.

Allele frequency attached by ClinVar (database versions not stated): TOPMed below 0.00001.
gnomAD v4.1: 1 of 1,614,074 alleles (0.000062%); no homozygotes.

Submissions (2):

Women's Health and Genetics/Laboratory Corporation of America, LabCorp
Classification: Uncertain significance. Last evaluated: 2024-07-11. Review status: criteria provided, single submitter. Criteria: LabCorp Variant Classification Summary - May 2015. Collection method: clinical testing. Allele origin: germline.
Comment: Variant summary: SLC26A4 c.1958T>C (p.Val653Ala) results in a non-conservative amino acid change located in the STAS domain (IPR002645) of the encoded protein sequence. Five of five in-silico tools predict a damaging effect of the variant on protein function. The variant was absent in 251168 control chromosomes. The available data on variant occurrences in the general population are insufficient to allow any conclusion about variant significance. c.1958T>C has been reported in the literature in the heterozygous state in individuals affected with nonsyndromic hearing loss (e.g. Scott_2000, Prasad_2004). These report(s) do not provide unequivocal conclusions about association of the variant with Pendred syndrome. Experimental studies show that this variant results in lower levels of iodide and chloride transport and co-immunoprecipitates with EphA2 (e.g. Scott_2000, Li_2020). The following publications have been ascertained in the context of this evaluation (PMID: 32165640, 14679580, 10861298). ClinVar contains an entry for this variant (Variation ID: 556316). Based on the evidence outlined above, the variant was classified as uncertain significance.

Counsyl
Classification: Uncertain significance for Pendred syndrome. Last evaluated: 2018-01-28. Review status: no assertion criteria provided. Collection method: clinical testing. Allele origin: unknown. Not counted in ClinVar's aggregate classification.

Literature cited by the submitters: PubMed 14679580 (cited by Women's Health and Genetics/Laboratory Corporation of America, LabCorp); PubMed 32165640 (cited by Women's Health and Genetics/Laboratory Corporation of America, LabCorp); PubMed 10861298 (cited by Women's Health and Genetics/Laboratory Corporation of America, LabCorp and Counsyl).